The following is an entry in ClinVar:

NM_002936.6(RNASEH1):c.549_550del (p.Arg184fs)

Gene: RNASEH1 (ribonuclease H1; minus strand). Cytogenetic location: 2p25.3.
Variant type: Deletion.
Coding change: c.549_550del on transcript NM_002936.6 (MANE Select); coding-DNA positions 549 to 550, 2 bases deleted (AA; older notation c.549_550delAA).
Protein change: p.Arg184fs; shifts the reading frame from arginine 184.
Molecular consequence: frameshift variant. On other transcripts: non-coding transcript variant (7).
Genome position (GRCh38, 1-based): chr2:3,549,072-3,549,073, TT deleted on the plus strand (AA on the coding strand, the reverse complement: RNASEH1 is on the minus strand); deleting any 2 consecutive bases within chr2:3,549,072-3,549,074 gives the same sequence; the c. name uses the placement nearest the transcript's 3' end. VCF-style (leftmost placement, unchanged base first): chr2-3549071-CTT-C. GRCh37 (hg19) VCF-style: chr2-3596661-CTT-C.
Other names: c.471_472del, p.Arg158fs (NM_001286834.3); c.198_199del, p.Arg67fs (NM_001286837.3); c.549_550del, p.Arg184fs (NM_001378271.1); c.546_547del, p.Arg183fs (NM_001378272.1); c.534_535del, p.Arg179fs (NM_001378273.1); short protein forms R158fs, R179fs, R184fs, R183fs, R67fs.
Identifiers: ClinVar variation 1995860 (VCV001995860.4), dbSNP rs2528049870, ClinGen allele CA2580066125.
Genomic context (GRCh38, chr2:3,549,071, plus strand): 5'-TACTCAATGCTCAAAAAAGAGAGGCTTAAACGTATCTGATAACTTACATGAATTTCCGCT[CTT>C]TGGTTTGTCTGCCGCCCAGGAAGTCTAATGCCTACATTTCTGTTTCAAAACAGTACAAAA-3'

ClinVar aggregate classification (germline): Uncertain significance (1 of 4 stars; one submission).

Submission:

Labcorp Genetics (formerly Invitae), Labcorp
Classification: Uncertain significance. Last evaluated: 2024-02-17. Review status: criteria provided, single submitter. Criteria: Invitae Variant Classification Sherloc (09022015). Collection method: clinical testing. Allele origin: germline.
Comment: This sequence change creates a premature translational stop signal (p.Arg184Serfs*11) in the RNASEH1 gene. It is expected to result in an absent or disrupted protein product. However, the current clinical and genetic evidence is not sufficient to establish whether loss-of-function variants in RNASEH1 cause disease. This variant is not present in population databases (gnomAD no frequency). This variant has not been reported in the literature in individuals affected with RNASEH1-related conditions. ClinVar contains an entry for this variant (Variation ID: 1995860). In summary, the available evidence is currently insufficient to determine the role of this variant in disease. Therefore, it has been classified as a Variant of Uncertain Significance.